The following is an entry in ClinVar:

NM_021096.4(CACNA1I):c.916G>C (p.Gly306Arg)

Gene: CACNA1I (calcium voltage-gated channel subunit alpha1 I; plus strand). Cytogenetic location: 22q13.1.
Variant type: single nucleotide variant.
Coding change: c.916G>C on transcript NM_021096.4 (MANE Select); coding-DNA position 916, G replaced by C.
Protein change: p.Gly306Arg; replaces glycine 306 with arginine.
Molecular consequence: missense variant.
Genome position (GRCh38, 1-based): chr22:39,641,042, G>C. VCF-style: chr22-39641042-G-C. GRCh37 (hg19) VCF-style: chr22-40037047-G-C.
Other names: c.916G>C, p.Gly306Arg (NM_001003406.2); short protein forms G306R.
Identifiers: ClinVar variation 3484065 (VCV003484065.2).

ClinVar aggregate classification (germline): Uncertain significance. Review status: criteria provided, multiple submitters, no conflicts (2 of 4 stars). 2 submissions from 2 submitters: Uncertain significance (2). Last evaluated 2026-04-17.

Conditions:
CACNA1I-related disorder. Also called: CACNA1I-related condition.

gnomAD v4.1: 8 of 1,613,938 alleles (0.0005%); highest among the groups gnomAD compares: African/African-American, 0.0013%; no homozygotes.

Submissions (2):

PreventionGenetics, part of Exact Sciences
Classification: Uncertain significance for CACNA1I-related condition. Last evaluated: 2026-04-17. Review status: criteria provided, single submitter. Criteria: ACMG Guidelines, 2015. Collection method: clinical testing. Allele origin: germline.
Comment: The CACNA1I c.916G>C variant is predicted to result in the amino acid substitution p.Gly306Arg. To our knowledge, this variant has not been reported in the literature. This variant is reported in 0.0027% of alleles in individuals of European (Non-Finnish) descent in gnomAD. At this time, the clinical significance of this variant is uncertain due to the absence of conclusive functional and genetic evidence.

Ambry Genetics
Classification: Uncertain significance. Last evaluated: 2024-11-25. Review status: criteria provided, single submitter. Criteria: Ambry Variant Classification Scheme 2023. Collection method: clinical testing. Allele origin: germline.